The following is an entry in ClinVar:

NM_014049.5(ACAD9):c.1387G>A (p.Val463Ile)

Gene: ACAD9 (acyl-CoA dehydrogenase family member 9; plus strand). Cytogenetic location: 3q21.3.
Variant type: single nucleotide variant.
Coding change: c.1387G>A on transcript NM_014049.5 (MANE Select); coding-DNA position 1387, G replaced by A.
Protein change: p.Val463Ile; replaces valine 463 with isoleucine.
Molecular consequence: missense variant. On other transcripts: non-coding transcript variant (1).
Genome position (GRCh38, 1-based): chr3:128,909,001, G>A. VCF-style: chr3-128909001-G-A. GRCh37 (hg19) VCF-style: chr3-128627844-G-A.
Other names: c.1018G>A, p.Val340Ile (NM_001410805.1); short protein forms V340I, V463I.
Identifiers: ClinVar variation 2150023 (VCV002150023.1), dbSNP rs113671636, ClinGen allele CA2601531.

ClinVar aggregate classification (germline): Uncertain significance (1 of 4 stars; one submission).

Allele frequency attached by ClinVar (database versions not stated): gnomAD exomes below 0.00001; ExAC 0.00001; TOPMed 0.00001; gnomAD 0.00002.
gnomAD v4.1: 16 of 1,614,208 alleles (0.00099%); highest among the groups gnomAD compares: African/African-American, 0.0093%; no homozygotes.

Submission:

Labcorp Genetics (formerly Invitae), Labcorp
Classification: Uncertain significance. Last evaluated: 2022-09-26. Review status: criteria provided, single submitter. Criteria: Invitae Variant Classification Sherloc (09022015). Collection method: clinical testing. Allele origin: germline.
Comment: This sequence change replaces valine, which is neutral and non-polar, with isoleucine, which is neutral and non-polar, at codon 463 of the ACAD9 protein (p.Val463Ile). This variant is present in population databases (rs113671636, gnomAD 0.01%). This variant has not been reported in the literature in individuals affected with ACAD9-related conditions. Advanced modeling of protein sequence and biophysical properties (such as structural, functional, and spatial information, amino acid conservation, physicochemical variation, residue mobility, and thermodynamic stability) performed at Invitae indicates that this missense variant is not expected to disrupt ACAD9 protein function. In summary, the available evidence is currently insufficient to determine the role of this variant in disease. Therefore, it has been classified as a Variant of Uncertain Significance.